The following is an entry in ClinVar:

ClinVar aggregate classification (germline): Uncertain significance (1 of 4 stars; one submission).

Conditions:
Autosomal recessive limb-girdle muscular dystrophy type 2J (LGMDR10). Also called: Limb-girdle muscular dystrophy, type 2J; MUSCULAR DYSTROPHY, LIMB-GIRDLE, AUTOSOMAL RECESSIVE 10. Identifiers: Orphanet 140922, MedGen C1837342, MONDO:0012127, OMIM 608807.
Dilated cardiomyopathy 1G (CMD1G). Identifiers: Orphanet 154, MedGen C1858763, MONDO:0011400, OMIM 604145.

Submission:

Labcorp Genetics (formerly Invitae), Labcorp
Classification: Uncertain significance for Dilated cardiomyopathy 1G; Autosomal recessive limb-girdle muscular dystrophy type 2J. Last evaluated: 2017-03-20. Review status: criteria provided, single submitter. Criteria: Invitae Variant Classification Sherloc (09022015). Collection method: clinical testing. Allele origin: germline.
Comment: This sequence change replaces serine with arginine at codon 35200 of the TTN protein (p.Ser35200Arg). There is a moderate physicochemical difference between serine and arginine. In summary, this variant is a novel missense change with unknown impact on protein function. Missense variants in this region of the TTN gene are typically not causative for cardiac disease, but may be relevant for neuromuscular disorders. However, the available evidence is currently insufficient to determine this variant's role in disease. Therefore, it has been classified as a Variant of Uncertain Significance. Algorithms developed to predict the effect of missense changes on protein structure and function are unavailable for the TTN gene. This variant identified in the TTN gene is located in the M band of the resulting protein (PMID: 25589632). It is unclear how this variant impacts the function of this protein. This variant is not present in population databases (ExAC no frequency) and has not been reported in the literature in individuals with a TTN-related disease.

Literature cited by the submitters: PubMed 25589632.

NM_001267550.2(TTN):c.105600C>G (p.Ser35200Arg)

Genes: TTN (titin; minus strand), TTN-AS1 (TTN antisense RNA 1; plus strand), LOC129935183 (ATAC-STARR-seq lymphoblastoid active region 16808; plus strand). Cytogenetic location: 2q31.2.
Variant type: single nucleotide variant.
Coding change: c.105600C>G on transcript NM_001267550.2 (MANE Select); coding-DNA position 105600, C replaced by G.
Protein change: p.Ser35200Arg; replaces serine 35200 with arginine.
Molecular consequence: missense variant.
Genome position (GRCh38, 1-based): chr2:178,531,015, G>C on the plus strand (C>G on the coding strand, the complement: TTN is on the minus strand). VCF-style: chr2-178531015-G-C. GRCh37 (hg19) VCF-style: chr2-179395742-G-C.
Other names: c.100677C>G, p.Ser33559Arg (NM_001256850.1); c.78405C>G, p.Ser26135Arg (NM_003319.4); c.97896C>G, p.Ser32632Arg (NM_133378.4); c.78780C>G, p.Ser26260Arg (NM_133432.3); c.78981C>G, p.Ser26327Arg (NM_133437.4); short protein forms S35200R, S32632R, S33559R, S26260R, S26327R, S26135R.
Identifiers: ClinVar variation 466740 (VCV000466740.7), dbSNP rs1553485050, ClinGen allele CA349408401.